The following is an entry in ClinVar:

NM_000138.5(FBN1):c.7848C>G (p.Ile2616Met)

Gene: FBN1 (fibrillin 1; minus strand). Cytogenetic location: 15q21.1.
Variant type: single nucleotide variant.
Coding change: c.7848C>G on transcript NM_000138.5 (MANE Select); coding-DNA position 7848, C replaced by G.
Protein change: p.Ile2616Met; replaces isoleucine 2616 with methionine.
Molecular consequence: missense variant.
Genome position (GRCh38, 1-based): chr15:48,415,739, G>C on the plus strand (C>G on the coding strand, the complement: FBN1 is on the minus strand). VCF-style: chr15-48415739-G-C. GRCh37 (hg19) VCF-style: chr15-48707936-G-C.
Other names: short protein forms I2616M.
Identifiers: ClinVar variation 406273 (VCV000406273.21), dbSNP rs138184493, ClinGen allele CA059284.
Genomic context (GRCh38, chr15:48,415,739, plus strand): 5'-GCCGGCGGGACACATGCACTTGTAGCTCCCCAGGGTGTTGTGACAGGAGGCTCCTCCGCA[G>C]ATGTGAGCGCTGAGGCATTCGTTTTCATCTGCAGGCAAAATAAGAAGCGGCATGTGTGGC-3'
Protein context (NP_000129.3, residues 2606-2626): VDENECLSAH[Ile2616Met]CGGASCHNTL

ClinVar aggregate classification (germline): Conflicting classifications of pathogenicity. Review status: criteria provided, conflicting classifications (1 of 4 stars). 7 submissions from 7 submitters: Uncertain significance (5); Likely benign (1). 1 of the submissions does not count toward it. Last evaluated 2026-08-23.

Conditions:
Familial thoracic aortic aneurysm and aortic dissection (TAAD). Also called: Thoracic aortic aneurysms and dissections. Identifiers: Orphanet 91387, MedGen C4707243, MONDO:0019625.
Marfan syndrome (MFS). Also called: MARFAN SYNDROME, TYPE I; Marfan syndrome, classic; FBN1-Related Marfan Syndrome; Marfan syndrome type 1; Marfan's syndrome. Identifiers: Orphanet 284963, Orphanet 558, MedGen C0024796, MONDO:0007947, OMIM 154700.
FBN1-related disorder. Also called: FBN1-related disorders.
Acromicric dysplasia (ACMICD). Also called: Acromicric skeletal dysplasia. Identifiers: Orphanet 969, MedGen C0265287, MONDO:0007055, OMIM 102370.
Geleophysic dysplasia 2 (GPHYSD2). Identifiers: Orphanet 2623, MedGen C3280054, MONDO:0013612, OMIM 614185.
Progeroid and marfanoid aspect-lipodystrophy syndrome. Also called: MARFANOID-PROGEROID-LIPODYSTROPHY SYNDROME; MARFANOID-PROGEROID SYNDROME; MARFAN-PROGEROID-LIPODYSTROPHY SYNDROME; Marfan lipodystrophy syndrome. Identifiers: Orphanet 300382, MedGen C4310796, MONDO:0014831, OMIM 616914.
Ectopia lentis 1, isolated, autosomal dominant (ECTOL1). Identifiers: Orphanet 1885, MedGen C3541518, MONDO:0007514, OMIM 129600.
MASS syndrome (OCTD). Also called: MASS PHENOTYPE; OVERLAP CONNECTIVE TISSUE DISEASE. Identifiers: MedGen C1858556, MONDO:0011431, OMIM 604308.
Weill-Marchesani syndrome 2, dominant. Also called: FBN1-Related Weill-Marchesani Syndrome; Weill-Marchesani Syndrome, Autosomal Dominant. Identifiers: Orphanet 2084, MedGen C1869115, MONDO:0012013, OMIM 608328.
Stiff skin syndrome (SSKS). Identifiers: Orphanet 2833, MedGen C1861456, MONDO:0008492, OMIM 184900.

Allele frequency attached by ClinVar (database versions not stated): gnomAD 0.00001; TOPMed 0.00001; ESP Exome Variant Server 0.00008; ExAC 0.00002.
gnomAD v4.1: 14 of 1,614,120 alleles (0.00087%); highest among the groups gnomAD compares: Non-Finnish European, 0.0012%; no homozygotes.

Submissions (7):

Ambry Genetics
Classification: Uncertain significance for Familial thoracic aortic aneurysm and aortic dissection. Last evaluated: 2026-08-23. Review status: criteria provided, single submitter. Criteria: Ambry Variant Classification Scheme 2023. Collection method: clinical testing. Allele origin: germline.

PreventionGenetics, part of Exact Sciences
Classification: Uncertain significance for FBN1-related condition. Last evaluated: 2025-12-31. Review status: criteria provided, single submitter. Criteria: ACMG Guidelines, 2015. Collection method: clinical testing. Allele origin: germline.
Comment: The FBN1 c.7848C>G variant is predicted to result in the amino acid substitution p.Ile2616Met. To our knowledge, this variant has not been reported in the literature. This variant is reported in 0.0026% of alleles in individuals of European (Non-Finnish) descent in gnomAD. At this time, the clinical significance of this variant is uncertain due to the absence of conclusive functional and genetic evidence.

Color Diagnostics, LLC DBA Color Health
Classification: Uncertain significance for Familial thoracic aortic aneurysm and aortic dissection. Last evaluated: 2025-12-11. Review status: criteria provided, single submitter. Criteria: ACMG Guidelines, 2015. Collection method: clinical testing. Allele origin: germline.
Comment: This missense variant replaces isoleucine with methionine at codon 2616 of the FBN1 protein. Computational predictions are inconclusive regarding the impact of this variant on protein structure and function. To our knowledge, functional studies have not been reported for this variant. This variant has not been reported in individuals affected with FBN1-related disorders in the literature. This variant has been identified in 14/1614120 chromosomes in the general population by the Genome Aggregation Database (gnomAD). The available evidence is insufficient to determine the role of this variant in disease conclusively. Therefore, this variant is classified as a Variant of Uncertain Significance.

Labcorp Genetics (formerly Invitae), Labcorp
Classification: Likely benign for Marfan syndrome; Familial thoracic aortic aneurysm and aortic dissection. Last evaluated: 2025-09-25. Review status: criteria provided, single submitter. Criteria: Invitae Variant Classification Sherloc (09022015). Collection method: clinical testing. Allele origin: germline.

All of Us Research Program, National Institutes of Health
Classification: Uncertain significance for Marfan syndrome. Last evaluated: 2024-06-09. Review status: criteria provided, single submitter. Criteria: ACMG Guidelines, 2015. Collection method: clinical testing. Allele origin: germline. Inheritance: Autosomal dominant inheritance. Observed: 4 variant alleles, 4 heterozygotes.
Comment: This missense variant replaces isoleucine with methionine at codon 2616 of the FBN1 protein. Computational prediction is inconclusive regarding the impact of this variant on protein structure and function (internally defined REVEL score threshold 0.5 < inconclusive < 0.7, PMID: 27666373). Splice site prediction tools suggest that this variant may not impact RNA splicing. To our knowledge, functional studies have not been performed for this variant. This variant has not been reported in individuals affected with cardiovascular disorders in the literature. This variant has been identified in 3/251204 chromosomes in the general population by the Genome Aggregation Database (gnomAD). The available evidence is insufficient to determine the role of this variant in disease conclusively. Therefore, this variant is classified as a Variant of Uncertain Significance.

This study involves interpretation of variants in research participants for the purpose of population health screening. Participant phenotype was not available at the time of variant classification. Additional details can be found in publication PMID: 35346344, PMCID: PMC8962531

Fulgent Genetics
Classification: Uncertain significance for Acromicric dysplasia; Ectopia lentis 1, isolated, autosomal dominant; Marfan syndrome; Stiff skin syndrome; MASS syndrome; Weill-Marchesani syndrome 2, dominant; Geleophysic dysplasia 2; Progeroid and marfanoid aspect-lipodystrophy syndrome. Last evaluated: 2022-03-28. Review status: criteria provided, single submitter. Criteria: ACMG Guidelines, 2015. Collection method: clinical testing. Allele origin: unknown.

Center for Medical Genetics Ghent, University of Ghent
Classification: Uncertain significance for Marfan syndrome. Last evaluated: 2017-11-07. Review status: no assertion criteria provided. Collection method: clinical testing. Allele origin: germline. Affected: yes. Not counted in ClinVar's aggregate classification.